The following is an entry in ClinVar:

NC_012920.1(MT-CYB):m.15014T>C

Gene: MT-CYB (mitochondrially encoded cytochrome b; plus strand).
Variant type: single nucleotide variant.
Genome position: chrM-15014-T-C.
Identifiers: ClinVar variation 693810 (VCV000693810.1), dbSNP rs1603225022, ClinGen allele CA913172710.

ClinVar aggregate classification (germline): Benign (1 of 4 stars; one submission).

Conditions:
Leigh syndrome (NULS). Also called: Leigh's necrotizing encephalopathy; Leigh's disease; Leigh's syndrome; LEIGH SYNDROME, NUCLEAR; Leigh Syndrome (mtDNA deletion); Leigh Disease. Identifiers: Orphanet 506, MedGen C2931891, MONDO:0009723, OMIM 256000.

Submission:

Wong Mito Lab, Molecular and Human Genetics, Baylor College of Medicine
Classification: Benign for Leigh syndrome. Last evaluated: 2019-10-17. Review status: criteria provided, single submitter. Criteria: Modified ACMG Guidelines (Unpublished). Collection method: clinical testing. Allele origin: germline.
Comment: The NC_012920.1:m.15014T>C (YP_003024038.1:p.Phe90Leu) variant in MTCYB gene is interpretated to be a Benign variant based on the modified ACMG guidelines (unpublished). This variant meets the following evidence codes: BS1, BS4, BP4